The following is an entry in ClinVar:

ClinVar aggregate classification (germline): Uncertain significance (1 of 4 stars; one submission).

Conditions:
Combined oxidative phosphorylation deficiency. Identifiers: MedGen C4540031, MONDO:0000732.
Charcot-Marie-Tooth Neuropathy X. Identifiers: MedGen CN118851.

Submission:

Labcorp Genetics (formerly Invitae), Labcorp
Classification: Uncertain significance for Charcot-Marie-Tooth Neuropathy X; Combined oxidative phosphorylation deficiency. Last evaluated: 2018-05-25. Review status: criteria provided, single submitter. Criteria: Invitae Variant Classification Sherloc (09022015). Collection method: clinical testing. Allele origin: germline.
Comment: Algorithms developed to predict the effect of missense changes on protein structure and function do not agree on the potential impact of this missense change (SIFT: "Deleterious"; PolyPhen-2: "Probably Damaging"; Align-GVGD: "Class C0"). This variant has not been reported in the literature in individuals with AIFM1-related disease. ClinVar contains an entry for this variant (Variation ID: 477606). In summary, the available evidence is currently insufficient to determine the role of this variant in disease. Therefore, it has been classified as a Variant of Uncertain Significance. This variant is not present in population databases (ExAC no frequency). This sequence change replaces alanine with valine at codon 494 of the AIFM1 protein (p.Ala494Val). The alanine residue is highly conserved and there is a small physicochemical difference between alanine and valine.

NM_004208.4(AIFM1):c.1481C>T (p.Ala494Val)

Genes: AIFM1 (apoptosis inducing factor mitochondria associated 1; minus strand), RAB33A (RAB33A, member RAS oncogene family; plus strand). Cytogenetic location: Xq26.1.
Variant type: single nucleotide variant.
Coding change: c.1481C>T on transcript NM_004208.4 (MANE Select); coding-DNA position 1481, C replaced by T.
Protein change: p.Ala494Val; replaces alanine 494 with valine.
Molecular consequence: missense variant. On other transcripts: 3 prime UTR variant (1), non-coding transcript variant (1).
Genome position (GRCh38, 1-based): chrX:130,131,767, G>A on the plus strand (C>T on the coding strand, the complement: AIFM1 is on the minus strand). VCF-style: chrX-130131767-G-A. GRCh37 (hg19) VCF-style: chrX-129265742-G-A.
Other names: c.464C>T, p.Ala155Val (NM_001130846.4); c.*709C>T (NM_001130847.4); c.1469C>T, p.Ala490Val (NM_145812.3); short protein forms A494V, A490V, A155V.
Identifiers: ClinVar variation 477606 (VCV000477606.8), dbSNP rs1556254400, ClinGen allele CA414571241.